The following is an entry in ClinVar:

ClinVar aggregate classification (germline): Likely benign (0 of 4 stars; one submission).

Conditions:
PKD1-related disorder. Also called: PKD1-related condition.

gnomAD v4.1: 37 of 1,587,514 alleles (0.0023%); highest among the groups gnomAD compares: South Asian, 0.038%; 2 homozygotes.

Submission:

PreventionGenetics, part of Exact Sciences
Classification: Likely benign for PKD1-related condition. Last evaluated: 2024-05-22. Review status: no assertion criteria provided. Collection method: clinical testing. Allele origin: germline.
Comment: This variant is classified as likely benign based on ACMG/AMP sequence variant interpretation guidelines (Richards et al. 2015 PMID: 25741868, with internal and published modifications).

NM_001009944.3(PKD1):c.3256C>G (p.Leu1086Val)

Gene: PKD1 (polycystin 1, transient receptor potential channel interacting; minus strand). Cytogenetic location: 16p13.3.
Variant type: single nucleotide variant.
Coding change: c.3256C>G on transcript NM_001009944.3 (MANE Select); coding-DNA position 3256, C replaced by G.
Protein change: p.Leu1086Val; replaces leucine 1086 with valine.
Molecular consequence: missense variant.
Genome position (GRCh38, 1-based): chr16:2,112,379, G>C on the plus strand (C>G on the coding strand, the complement: PKD1 is on the minus strand). VCF-style: chr16-2112379-G-C. GRCh37 (hg19) VCF-style: chr16-2162380-G-C.
Other names: c.3256C>G, p.Leu1086Val (NM_000296.4); short protein forms L1086V.
Identifiers: ClinVar variation 3356579 (VCV003356579.1).